The following is an entry in ClinVar:

ClinVar aggregate classification (germline): Pathogenic. Review status: criteria provided, multiple submitters, no conflicts (2 of 4 stars). 2 submissions from 2 submitters: Pathogenic (2). Last evaluated 2024-03-05.

Conditions:
Familial cancer of breast. Also called: BREAST CANCER, FAMILIAL; Hereditary breast cancer; hereditary breast carcinoma. Identifiers: Orphanet 227535, MedGen C0346153, MONDO:0016419, OMIM 114480. Disease mechanism: loss of function.
Ataxia-telangiectasia syndrome (AT). Also called: Ataxia-telangiectasia, complementation group D; AT, COMPLEMENTATION GROUP C; ATAXIA-TELANGIECTASIA, COMPLEMENTATION GROUP A; ATAXIA-TELANGIECTASIA, FRESNO VARIANT; Ataxia-telangiectasia, complementation group E; LOUIS-BAR SYNDROME. Identifiers: Orphanet 100, MedGen C0004135, MONDO:0008840, OMIM 208900.

Submissions (2):

Baylor Genetics
Classification: Pathogenic for Familial cancer of breast. Last evaluated: 2024-03-05. Review status: criteria provided, single submitter. Criteria: ACMG Guidelines, 2015. Collection method: clinical testing. Allele origin: unknown.

Labcorp Genetics (formerly Invitae), Labcorp
Classification: Pathogenic for Ataxia-telangiectasia syndrome. Last evaluated: 2023-09-26. Review status: criteria provided, single submitter. Criteria: Invitae Variant Classification Sherloc (09022015). Collection method: clinical testing. Allele origin: germline.
Comment: For these reasons, this variant has been classified as Pathogenic. ClinVar contains an entry for this variant (Variation ID: 2021675). This variant has not been reported in the literature in individuals affected with ATM-related conditions. This variant is not present in population databases (gnomAD no frequency). This sequence change creates a premature translational stop signal (p.Tyr2371*) in the ATM gene. It is expected to result in an absent or disrupted protein product. Loss-of-function variants in ATM are known to be pathogenic (PMID: 23807571, 25614872).

Literature cited by the submitters: PubMed 23807571 (cited by Labcorp Genetics (formerly Invitae), Labcorp); PubMed 25614872 (cited by Labcorp Genetics (formerly Invitae), Labcorp).

NM_000051.4(ATM):c.7113T>A (p.Tyr2371Ter)

Genes: ATM (ATM serine/threonine kinase; plus strand), C11orf65 (chromosome 11 open reading frame 65; minus strand). Cytogenetic location: 11q22.3.
Variant type: single nucleotide variant.
Coding change: c.7113T>A on transcript NM_000051.4 (MANE Select); coding-DNA position 7113, T replaced by A.
Protein change: p.Tyr2371Ter; replaces tyrosine 2371 with a stop codon.
Molecular consequence: nonsense. On other transcripts: intron variant (2).
Genome position (GRCh38, 1-based): chr11:108,329,044, T>A. VCF-style: chr11-108329044-T-A. GRCh37 (hg19) VCF-style: chr11-108199771-T-A.
Other names: c.7113T>A, p.Tyr2371Ter (NM_001351834.2); c.641-19973A>T (NM_001330368.2); c.*38+6176A>T (NM_001351110.2); short protein forms Y2371*.
Identifiers: ClinVar variation 2021675 (VCV002021675.5), dbSNP rs760534895, ClinGen allele CA382559424.